The following is an entry in ClinVar:

ClinVar aggregate classification (germline): Uncertain significance (1 of 4 stars; one submission).

Submission:

Labcorp Genetics (formerly Invitae), Labcorp
Classification: Uncertain significance. Last evaluated: 2024-10-03. Review status: criteria provided, single submitter. Criteria: Invitae Variant Classification Sherloc (09022015). Collection method: clinical testing. Allele origin: germline.
Comment: This sequence change replaces phenylalanine, which is neutral and non-polar, with leucine, which is neutral and non-polar, at codon 1043 of the ITGAM protein (p.Phe1043Leu). This variant is present in population databases (rs756051605, gnomAD 0.002%). This variant has not been reported in the literature in individuals affected with ITGAM-related conditions. An algorithm developed to predict the effect of missense changes on protein structure and function outputs the following: PolyPhen-2: "Benign". The leucine amino acid residue is found in multiple mammalian species, which suggests that this missense change does not adversely affect protein function. In summary, the available evidence is currently insufficient to determine the role of this variant in disease. Therefore, it has been classified as a Variant of Uncertain Significance.

NM_000632.4(ITGAM):c.3129C>G (p.Phe1043Leu)

Gene: ITGAM (integrin subunit alpha M; plus strand). Cytogenetic location: 16p11.2.
Variant type: single nucleotide variant.
Coding change: c.3129C>G on transcript NM_000632.4 (MANE Select); coding-DNA position 3129, C replaced by G.
Protein change: p.Phe1043Leu; replaces phenylalanine 1043 with leucine.
Molecular consequence: missense variant.
Genome position (GRCh38, 1-based): chr16:31,330,376, C>G. VCF-style: chr16-31330376-C-G. GRCh37 (hg19) VCF-style: chr16-31341697-C-G.
Other names: c.3132C>G, p.Phe1044Leu (NM_001145808.2); short protein forms F1044L, F1043L.
Identifiers: ClinVar variation 3678453 (VCV003678453.2).